The following is an entry in ClinVar:

ClinVar aggregate classification (germline): Uncertain significance (1 of 4 stars; one submission).

Allele frequency attached by ClinVar (database versions not stated): gnomAD 0.00001; gnomAD exomes 0.00001; ExAC 0.00002; TOPMed 0.00002; ESP Exome Variant Server 0.00008.
gnomAD v4.1: 10 of 1,613,646 alleles (0.00062%); highest among the groups gnomAD compares: Admixed American, 0.0033%; no homozygotes.

Submission:

Labcorp Genetics (formerly Invitae), Labcorp
Classification: Uncertain significance. Last evaluated: 2022-01-27. Review status: criteria provided, single submitter. Criteria: Invitae Variant Classification Sherloc (09022015). Collection method: clinical testing. Allele origin: germline.
Comment: This sequence change replaces threonine, which is neutral and polar, with isoleucine, which is neutral and non-polar, at codon 1178 of the OBSL1 protein (p.Thr1178Ile). This variant is present in population databases (rs377216963, gnomAD 0.002%). This variant has not been reported in the literature in individuals affected with OBSL1-related conditions. Algorithms developed to predict the effect of missense changes on protein structure and function (SIFT, PolyPhen-2, Align-GVGD) all suggest that this variant is likely to be tolerated. In summary, the available evidence is currently insufficient to determine the role of this variant in disease. Therefore, it has been classified as a Variant of Uncertain Significance.

NM_015311.3(OBSL1):c.3533C>T (p.Thr1178Ile)

Gene: OBSL1 (obscurin like cytoskeletal adaptor 1; minus strand). Cytogenetic location: 2q35.
Variant type: single nucleotide variant.
Coding change: c.3533C>T on transcript NM_015311.3 (MANE Select); coding-DNA position 3533, C replaced by T.
Protein change: p.Thr1178Ile; replaces threonine 1178 with isoleucine.
Molecular consequence: missense variant.
Genome position (GRCh38, 1-based): chr2:219,558,080, G>A on the plus strand (C>T on the coding strand, the complement: OBSL1 is on the minus strand). VCF-style: chr2-219558080-G-A. GRCh37 (hg19) VCF-style: chr2-220422802-G-A.
Other names: c.3533C>T, p.Thr1178Ile (NM_001173431.2); short protein forms T1178I.
Identifiers: ClinVar variation 2188604 (VCV002188604.3), dbSNP rs377216963, ClinGen allele CA2130827.